The following is an entry in ClinVar:

NM_032590.5(KDM2B):c.3371G>A (p.Arg1124Gln)

Gene: KDM2B (lysine demethylase 2B; minus strand). Cytogenetic location: 12q24.31.
Variant type: single nucleotide variant.
Coding change: c.3371G>A on transcript NM_032590.5 (MANE Select); coding-DNA position 3371, G replaced by A.
Protein change: p.Arg1124Gln; replaces arginine 1124 with glutamine.
Molecular consequence: missense variant.
Genome position (GRCh38, 1-based): chr12:121,441,147, C>T on the plus strand (G>A on the coding strand, the complement: KDM2B is on the minus strand). VCF-style: chr12-121441147-C-T. GRCh37 (hg19) VCF-style: chr12-121878950-C-T.
Other names: c.3164G>A, p.Arg1055Gln (NM_001005366.2); c.3371G>A (NM_032590.4); short protein forms R1055Q, R1124Q.
Identifiers: ClinVar variation 3898557 (VCV003898557.8).

ClinVar aggregate classification (germline): Uncertain significance. Review status: criteria provided, multiple submitters, no conflicts (2 of 4 stars). 2 submissions from 2 submitters: Uncertain significance (2). Last evaluated 2025-04-01.

Submissions (2):

CeGaT Center for Human Genetics Tuebingen
Classification: Uncertain significance. Last evaluated: 2025-04-01. Review status: criteria provided, single submitter. Criteria: CeGaT Center For Human Genetics Tuebingen Variant Classification Criteria Version 2. Collection method: clinical testing. Allele origin: germline. Affected: yes. Observed: 1 variant allele.
Comment: KDM2B: PM2

GeneDx
Classification: Uncertain significance. Last evaluated: 2025-03-18. Review status: criteria provided, single submitter. Criteria: GeneDx Variant Classification Process June 2021. Collection method: clinical testing. Allele origin: germline. Affected: yes.
Comment: Not observed at significant frequency in large population cohorts (gnomAD); In silico analysis supports that this missense variant has a deleterious effect on protein structure/function; Has not been previously published as pathogenic or benign to our knowledge